The following is an entry in ClinVar:

ClinVar aggregate classification (germline): Pathogenic (1 of 4 stars; one submission).

Conditions:
Ehlers-Danlos syndrome, arthrochalasia type, 2. Also called: EHLERS-DANLOS SYNDROME, TYPE VIIB, AUTOSOMAL DOMINANT. Identifiers: MedGen CN293783, MONDO:0040501, OMIM 617821.

Submission:

3billion
Classification: Pathogenic for Ehlers-Danlos syndrome, arthrochalasia type, 2. Last evaluated: 2021-10-02. Review status: criteria provided, single submitter. Criteria: ACMG Guidelines, 2015. Collection method: clinical testing. Allele origin: maternal. Affected: yes. Observed: 1 heterozygote.
Comment: Frameshift: predicted to result in a loss or disruption of normal protein function through nonsense-mediated decay (NMD) or protein truncation. Multiple pathogenic variants are reported downstream of the variant (PVS1_VS). It is not observed in the gnomAD v2.1.1 dataset (PM2). Patient's phenotype is considered compatible with Ehlers-Danlos syndrome, arthrochalasia type, 2 (3billion dataset, PP4).Therefore, this variant is classified as pathogenic according to the recommendation of ACMG/AMP guideline.

NM_000089.4(COL1A2):c.1844_1850del (p.Pro615fs)

Gene: COL1A2 (collagen type I alpha 2 chain; plus strand). Cytogenetic location: 7q21.3.
Variant type: Deletion.
Coding change: c.1844_1850del on transcript NM_000089.4 (MANE Select); coding-DNA positions 1844 to 1850, 7 bases deleted (CAGGGCC; older notation c.1844_1850delCAGGGCC).
Protein change: p.Pro615fs; shifts the reading frame from proline 615.
Molecular consequence: frameshift variant.
Genome position (GRCh38, 1-based): chr7:94,416,484-94,416,490, CAGGGCC deleted; deleting any 7 consecutive bases within chr7:94,416,482-94,416,490 gives the same sequence; the c. name uses the placement nearest the transcript's 3' end. VCF-style (leftmost placement, unchanged base first): chr7-94416481-CCCCAGGG-C. GRCh37 (hg19) VCF-style: chr7-94045793-CCCCAGGG-C.
Other names: short protein forms P615fs.
Identifiers: ClinVar variation 1320259 (VCV001320259.1), dbSNP rs2115917238, ClinGen allele CA2573052944.